The following is an entry in ClinVar:

ClinVar aggregate classification (germline): Uncertain significance. Review status: criteria provided, multiple submitters, no conflicts (2 of 4 stars). 2 submissions from 2 submitters: Uncertain significance (2). Last evaluated 2023-12-31.

Conditions:
Idiopathic Pulmonary Fibrosis. Also called: Idiopathic fibrosing alveolitis, chronic form; idiopathic fibrosing alveolitis. Identifiers: Orphanet 2032, MedGen C1800706, MeSH D054990, MONDO:0800504.
Dyskeratosis congenita, autosomal dominant 2. Identifiers: MedGen C3151443, MONDO:0013521, OMIM 613989.
Dyskeratosis congenita. Identifiers: Orphanet 1775, MedGen C0265965, MONDO:0015780.

Allele frequency attached by ClinVar (database versions not stated): gnomAD 0.00001.

Submissions (2):

Ambry Genetics
Classification: Uncertain significance for Dyskeratosis congenita. Last evaluated: 2023-12-31. Review status: criteria provided, single submitter. Criteria: Ambry Variant Classification Scheme 2023. Collection method: clinical testing. Allele origin: germline.
Comment: The p.P314S variant (also known as c.940C>T), located in coding exon 2 of the TERT gene, results from a C to T substitution at nucleotide position 940. The proline at codon 314 is replaced by serine, an amino acid with similar properties. This amino acid position is conserved. In addition, this alteration is predicted to be tolerated by in silico analysis. Since supporting evidence is limited at this time, the clinical significance of this alteration remains unclear.

Labcorp Genetics (formerly Invitae), Labcorp
Classification: Uncertain significance for Dyskeratosis congenita, autosomal dominant 2; Idiopathic Pulmonary Fibrosis. Last evaluated: 2023-10-04. Review status: criteria provided, single submitter. Criteria: Invitae Variant Classification Sherloc (09022015). Collection method: clinical testing. Allele origin: germline.
Comment: This sequence change replaces proline, which is neutral and non-polar, with serine, which is neutral and polar, at codon 314 of the TERT protein (p.Pro314Ser). This variant is not present in population databases (gnomAD no frequency). This variant has not been reported in the literature in individuals affected with TERT-related conditions. ClinVar contains an entry for this variant (Variation ID: 2200869). Advanced modeling of protein sequence and biophysical properties (such as structural, functional, and spatial information, amino acid conservation, physicochemical variation, residue mobility, and thermodynamic stability) performed at Invitae indicates that this missense variant is not expected to disrupt TERT protein function. In summary, the available evidence is currently insufficient to determine the role of this variant in disease. Therefore, it has been classified as a Variant of Uncertain Significance.

NM_198253.3(TERT):c.940C>T (p.Pro314Ser)

Gene: TERT (telomerase reverse transcriptase; minus strand). Cytogenetic location: 5p15.33.
Variant type: single nucleotide variant.
Coding change: c.940C>T on transcript NM_198253.3 (MANE Select); coding-DNA position 940, C replaced by T.
Protein change: p.Pro314Ser; replaces proline 314 with serine.
Molecular consequence: missense variant. On other transcripts: non-coding transcript variant (2).
Genome position (GRCh38, 1-based): chr5:1,293,946, G>A on the plus strand (C>T on the coding strand, the complement: TERT is on the minus strand). VCF-style: chr5-1293946-G-A. GRCh37 (hg19) VCF-style: chr5-1294061-G-A.
Other names: c.940C>T, p.Pro314Ser (NM_001193376.3, NM_003219.1); short protein forms P314S.
Identifiers: ClinVar variation 2200869 (VCV002200869.5), dbSNP rs2478417532, ClinGen allele CA359056115.